The following is an entry in ClinVar:

NM_003124.5(SPR):c.*432G>A

Gene: SPR (sepiapterin reductase; plus strand). Cytogenetic location: 2p13.2.
Variant type: single nucleotide variant.
Coding change: c.*432G>A on transcript NM_003124.5 (MANE Select); 432 bases downstream of the stop codon, G replaced by A.
Molecular consequence: 3 prime UTR variant.
Genome position (GRCh38, 1-based): chr2:72,891,969, G>A. VCF-style: chr2-72891969-G-A. GRCh37 (hg19) VCF-style: chr2-73119098-G-A.
Identifiers: ClinVar variation 896148 (VCV000896148.4), dbSNP rs61518691, ClinGen allele CA11228528.

ClinVar aggregate classification (germline): Benign (1 of 4 stars; one submission).

Conditions:
Dopa-responsive dystonia due to sepiapterin reductase deficiency. Also called: SPR DEFICIENCY; Sepiapterin reductase deficiency; DYT-SPR. Identifiers: Orphanet 70594, MedGen C0268468, MONDO:0012994, OMIM 612716.

Allele frequency attached by ClinVar (database versions not stated): gnomAD exomes 0.00138; gnomAD 0.00673 and 0.00729; 1000 Genomes Project 0.00719; TOPMed 0.00788; 1000 Genomes Project 30x 0.00828.
gnomAD v4.1: 1,131 of 229,720 alleles (0.49%); highest among the groups gnomAD compares: African/African-American, 2.3%; 13 homozygotes.

Submission:

Illumina Laboratory Services, Illumina
Classification: Benign for Dopa-responsive dystonia due to sepiapterin reductase deficiency. Last evaluated: 2018-01-13. Review status: criteria provided, single submitter. Criteria: ICSL Variant Classification Criteria 13 December 2019. Collection method: clinical testing. Allele origin: germline.
Comment: This variant was observed in the ICSL laboratory as part of a predisposition screen in an ostensibly healthy population. It had not been previously curated by ICSL or reported in the Human Gene Mutation Database (HGMD: prior to June 1st, 2018), and was therefore a candidate for classification through an automated scoring system. Utilizing variant allele frequency, disease prevalence and penetrance estimates, and inheritance mode, an automated score was calculated to assess if this variant is too frequent to cause the disease. Based on the score and internal cut-off values, a variant classified as benign is not then subjected to further curation. The score for this variant resulted in a classification of benign for this disease.